The following is an entry in ClinVar:

ClinVar aggregate classification (germline): Uncertain significance (1 of 4 stars; one submission).

Conditions:
Glycine encephalopathy. Also called: Non-ketotic hyperglycinemia; Nonketotic hyperglycinemia. Identifiers: Orphanet 407, MedGen C0751748, MONDO:0011612, HP:0008288.

Allele frequency attached by ClinVar (database versions not stated): gnomAD exomes below 0.00001; ExAC 0.00002.
gnomAD v4.1: 4 of 1,600,562 alleles (0.00025%); highest among the groups gnomAD compares: South Asian, 0.0033%; no homozygotes.

Submission:

Labcorp Genetics (formerly Invitae), Labcorp
Classification: Uncertain significance for Glycine encephalopathy. Last evaluated: 2021-09-24. Review status: criteria provided, single submitter. Criteria: Invitae Variant Classification Sherloc (09022015). Collection method: clinical testing. Allele origin: germline.
Comment: This sequence change replaces glycine with aspartic acid at codon 489 of the GLDC protein (p.Gly489Asp). The glycine residue is moderately conserved and there is a moderate physicochemical difference between glycine and aspartic acid. This variant is present in population databases (rs767519430, ExAC 0.01%). This variant has not been reported in the literature in individuals with GLDC-related conditions. Algorithms developed to predict the effect of missense changes on protein structure and function are either unavailable or do not agree on the potential impact of this missense change (SIFT: "Tolerated"; PolyPhen-2: "Probably Damaging"; Align-GVGD: "Class C0"). In summary, the available evidence is currently insufficient to determine the role of this variant in disease. Therefore, it has been classified as a Variant of Uncertain Significance.

NM_000170.3(GLDC):c.1466G>A (p.Gly489Asp)

Gene: GLDC (glycine decarboxylase; minus strand). Cytogenetic location: 9p24.1.
Variant type: single nucleotide variant.
Coding change: c.1466G>A on transcript NM_000170.3 (MANE Select); coding-DNA position 1466, G replaced by A.
Protein change: p.Gly489Asp; replaces glycine 489 with aspartic acid.
Molecular consequence: missense variant.
Genome position (GRCh38, 1-based): chr9:6,592,159, C>T on the plus strand (G>A on the coding strand, the complement: GLDC is on the minus strand). VCF-style: chr9-6592159-C-T. GRCh37 (hg19) VCF-style: chr9-6592159-C-T.
Other names: short protein forms G489D.
Identifiers: ClinVar variation 1356910 (VCV001356910.5), dbSNP rs767519430, ClinGen allele CA4980703.
Genomic context (GRCh38, chr9:6,592,159, plus strand): 5'-CTCCAATAGTTATGATGAGGAACGCATGTTTTTATTTTACTTACTGCAGATGACTCACAA[C>T]CAAAGATCCACAACAAATCGTCCAGATCTTTTTCATTGACTGTTTCATCAAGAGAAATAC-3'
Protein context (NP_000161.2, residues 479-499): KDLDDLLWIF[Gly489Asp]CESSAELVAE